The following is an entry in ClinVar:

ClinVar aggregate classification (germline): Uncertain significance (1 of 4 stars; one submission).

Allele frequency attached by ClinVar (database versions not stated): TOPMed below 0.00001; gnomAD 0.00001.
gnomAD v4.1: 10 of 1,613,282 alleles (0.00062%); highest among the groups gnomAD compares: Non-Finnish European, 0.00085%; no homozygotes.

Submission:

Labcorp Genetics (formerly Invitae), Labcorp
Classification: Uncertain significance. Last evaluated: 2023-12-30. Review status: criteria provided, single submitter. Criteria: Invitae Variant Classification Sherloc (09022015). Collection method: clinical testing. Allele origin: germline.
Comment: This sequence change replaces threonine, which is neutral and polar, with asparagine, which is neutral and polar, at codon 1115 of the CACNA2D4 protein (p.Thr1115Asn). This variant is present in population databases (no rsID available, gnomAD 0.0009%). This variant has not been reported in the literature in individuals affected with CACNA2D4-related conditions. Algorithms developed to predict the effect of missense changes on protein structure and function output the following: SIFT: "Not Available"; PolyPhen-2: "Benign"; Align-GVGD: "Not Available". The asparagine amino acid residue is found in multiple mammalian species, which suggests that this missense change does not adversely affect protein function. In summary, the available evidence is currently insufficient to determine the role of this variant in disease. Therefore, it has been classified as a Variant of Uncertain Significance.

NM_172364.5(CACNA2D4):c.3344C>A (p.Thr1115Asn)

Gene: CACNA2D4 (calcium voltage-gated channel auxiliary subunit alpha2delta 4; minus strand). Cytogenetic location: 12p13.33.
Variant type: single nucleotide variant.
Coding change: c.3344C>A on transcript NM_172364.5 (MANE Select); coding-DNA position 3344, C replaced by A.
Protein change: p.Thr1115Asn; replaces threonine 1115 with asparagine.
Molecular consequence: missense variant.
Genome position (GRCh38, 1-based): chr12:1,793,725, G>T on the plus strand (C>A on the coding strand, the complement: CACNA2D4 is on the minus strand). VCF-style: chr12-1793725-G-T. GRCh37 (hg19) VCF-style: chr12-1902891-G-T.
Other names: short protein forms T1115N.
Identifiers: ClinVar variation 2878653 (VCV002878653.3), dbSNP rs751418941, ClinGen allele CA383346753.